The following is an entry in ClinVar:

ClinVar aggregate classification (germline): Uncertain significance (1 of 4 stars; one submission).

Conditions:
Immunodeficiency 39 (IMD39). Identifiers: Orphanet 574918, MedGen C4225358, MONDO:0014597, OMIM 616345.

Submission:

Labcorp Genetics (formerly Invitae), Labcorp
Classification: Uncertain significance for Immunodeficiency 39. Last evaluated: 2025-07-10. Review status: criteria provided, single submitter. Criteria: Invitae Variant Classification Sherloc (09022015). Collection method: clinical testing. Allele origin: germline.
Comment: This sequence change replaces proline, which is neutral and non-polar, with arginine, which is basic and polar, at codon 405 of the IRF7 protein (p.Pro405Arg). This variant is not present in population databases (gnomAD no frequency). This variant has not been reported in the literature in individuals affected with IRF7-related conditions. An algorithm developed to predict the effect of missense changes on protein structure and function (PolyPhen-2) suggests that this variant is likely to be disruptive. In summary, the available evidence is currently insufficient to determine the role of this variant in disease. Therefore, it has been classified as a Variant of Uncertain Significance.

NM_001572.5(IRF7):c.1175C>G (p.Pro392Arg)

Gene: IRF7 (interferon regulatory factor 7; minus strand). Cytogenetic location: 11p15.5.
Variant type: single nucleotide variant.
Coding change: c.1175C>G on transcript NM_001572.5 (MANE Select); coding-DNA position 1175, C replaced by G.
Protein change: p.Pro392Arg; replaces proline 392 with arginine.
Molecular consequence: missense variant.
Genome position (GRCh38, 1-based): chr11:613,268, G>C on the plus strand (C>G on the coding strand, the complement: IRF7 is on the minus strand). VCF-style: chr11-613268-G-C. GRCh37 (hg19) VCF-style: chr11-613268-G-C.
Other names: c.1211C>G, p.Pro404Arg (NM_001440440.1); c.1172C>G, p.Pro391Arg (NM_001440442.1); c.1127C>G, p.Pro376Arg (NM_001440444.1); c.1085C>G, p.Pro362Arg (NM_001440445.1); c.803C>G, p.Pro268Arg (NM_001440446.1); c.1088C>G, p.Pro363Arg (NM_004029.4); c.1214C>G, p.Pro405Arg (NM_004031.4); short protein forms P362R, P391R, P392R, P268R, P405R, P363R, P404R, P376R.
Identifiers: ClinVar variation 4723014 (VCV004723014.1).